The following is an entry in ClinVar:

ClinVar aggregate classification (germline): Uncertain significance (1 of 4 stars; one submission).

Submission:

Labcorp Genetics (formerly Invitae), Labcorp
Classification: Uncertain significance. Last evaluated: 2020-09-15. Review status: criteria provided, single submitter. Criteria: Invitae Variant Classification Sherloc (09022015). Collection method: clinical testing. Allele origin: germline.
Comment: This variant has not been reported in the literature in individuals with ERBB2-related conditions. This sequence change replaces glycine with alanine at codon 1029 of the ERBB2 protein (p.Gly1029Ala). The glycine residue is moderately conserved and there is a small physicochemical difference between glycine and alanine. This variant is not present in population databases (ExAC no frequency). Algorithms developed to predict the effect of missense changes on protein structure and function are either unavailable or do not agree on the potential impact of this missense change (SIFT: "Deleterious"; PolyPhen-2: "Possibly Damaging"; Align-GVGD: "Class C0"). In summary, the available evidence is currently insufficient to determine the role of this variant in disease. Therefore, it has been classified as a Variant of Uncertain Significance.

NM_004448.4(ERBB2):c.3086G>C (p.Gly1029Ala)

Gene: ERBB2 (erb-b2 receptor tyrosine kinase 2; plus strand). Cytogenetic location: 17q12.
Variant type: single nucleotide variant.
Coding change: c.3086G>C on transcript NM_004448.4 (MANE Select); coding-DNA position 3086, G replaced by C.
Protein change: p.Gly1029Ala; replaces glycine 1029 with alanine.
Molecular consequence: missense variant. On other transcripts: non-coding transcript variant (1), intron variant (2).
Genome position (GRCh38, 1-based): chr17:39,726,930, G>C. VCF-style: chr17-39726930-G-C. GRCh37 (hg19) VCF-style: chr17-37883183-G-C.
Other names: c.2996G>C, p.Gly999Ala (NM_001005862.3, NM_001382782.1, NM_001382783.1); c.3041G>C, p.Gly1014Ala (NM_001289936.2); c.3086G>C, p.Gly1029Ala (NM_001289937.2); c.3203G>C, p.Gly1068Ala (NM_001382784.1); c.3188G>C, p.Gly1063Ala (NM_001382785.1); c.3167G>C, p.Gly1056Ala (NM_001382786.1); c.3161G>C, p.Gly1054Ala (NM_001382787.1); c.3116G>C, p.Gly1039Ala (NM_001382788.1); and 16 more; short protein forms G1013A, G1039A, G1056A, G1063A, G967A, G1015A, G753A, G961A.
Identifiers: ClinVar variation 1043905 (VCV001043905.9), dbSNP rs1395420735, ClinGen allele CA399309613.